The following is an entry in ClinVar:

ClinVar aggregate classification (germline): Uncertain significance (1 of 4 stars; one submission).

Conditions:
Hypertrophic cardiomyopathy. Also called: HYPERTROPHIC MYOCARDIOPATHY. Identifiers: Orphanet 217569, MedGen C0007194, MeSH D002312, MONDO:0005045, HP:0001639.

Submission:

Labcorp Genetics (formerly Invitae), Labcorp
Classification: Uncertain significance for Hypertrophic cardiomyopathy. Last evaluated: 2024-04-22. Review status: criteria provided, single submitter. Criteria: Invitae Variant Classification Sherloc (09022015). Collection method: clinical testing. Allele origin: germline.
Comment: This sequence change replaces alanine, which is neutral and non-polar, with glycine, which is neutral and non-polar, at codon 1877 of the MYH7 protein (p.Ala1877Gly). This variant is not present in population databases (gnomAD no frequency). This variant has not been reported in the literature in individuals affected with MYH7-related conditions. ClinVar contains an entry for this variant (Variation ID: 1475453). Advanced modeling of protein sequence and biophysical properties (such as structural, functional, and spatial information, amino acid conservation, physicochemical variation, residue mobility, and thermodynamic stability) performed at Invitae indicates that this missense variant is not expected to disrupt MYH7 protein function with a negative predictive value of 95%. In summary, the available evidence is currently insufficient to determine the role of this variant in disease. Therefore, it has been classified as a Variant of Uncertain Significance.

NM_000257.4(MYH7):c.5630C>G (p.Ala1877Gly)

Gene: MYH7 (myosin heavy chain 7; minus strand). Cytogenetic location: 14q11.2.
Variant type: single nucleotide variant.
Coding change: c.5630C>G on transcript NM_000257.4 (MANE Select); coding-DNA position 5630, C replaced by G.
Protein change: p.Ala1877Gly; replaces alanine 1877 with glycine.
Molecular consequence: missense variant.
Genome position (GRCh38, 1-based): chr14:23,414,032, G>C on the plus strand (C>G on the coding strand, the complement: MYH7 is on the minus strand). VCF-style: chr14-23414032-G-C. GRCh37 (hg19) VCF-style: chr14-23883241-G-C.
Other names: short protein forms A1877G.
Identifiers: ClinVar variation 1475453 (VCV001475453.6), dbSNP rs2138635866, ClinGen allele CA389034827.